The following is an entry in ClinVar:

NM_000059.4(BRCA2):c.9634G>A (p.Gly3212Arg)

Gene: BRCA2 (BRCA2 DNA repair associated; plus strand). Cytogenetic location: 13q13.1.
Variant type: single nucleotide variant.
Coding change: c.9634G>A on transcript NM_000059.4 (MANE Select); coding-DNA position 9634, G replaced by A.
Protein change: p.Gly3212Arg; replaces glycine 3212 with arginine.
Molecular consequence: missense variant.
Genome position (GRCh38, 1-based): chr13:32,397,030, G>A. VCF-style: chr13-32397030-G-A. GRCh37 (hg19) VCF-style: chr13-32971167-G-A.
Other names: short protein forms G3212R.
Identifiers: ClinVar variation 495521 (VCV000495521.4), dbSNP rs55775473, ClinGen allele CA387763767.
Genomic context (GRCh38, chr13:32,397,030, plus strand): 5'-TCCACCCCAACTAAAGACTGTACTTCAGGGCCGTACACTGCTCAAATCATTCCTGGTACA[G>A]GAAACAAGCTTCTGGTAAGTTAATGTAAACTCAAGGAATATTATAAGAAGTATATATGGA-3'
Protein context (NP_000050.3, residues 3202-3222): PYTAQIIPGT[Gly3212Arg]NKLLMSSPNC

ClinVar aggregate classification (germline): Conflicting classifications of pathogenicity. Review status: criteria provided, conflicting classifications (1 of 4 stars). 3 submissions from 3 submitters: Uncertain significance (2); Benign (1). Last evaluated 2025-01-14.

Conditions:
Hereditary breast ovarian cancer syndrome. Also called: Breast and ovarian cancer; BRCA1- and BRCA2-Associated Hereditary Breast and Ovarian Cancer; Hereditary breast and ovarian cancer syndrome (HBOC); Hereditary breast and ovarian cancer; Hereditary breast and/or ovarian cancer syndrome; Hereditary breast and ovarian cancer syndrome. Identifiers: Orphanet 145, MedGen C0677776, MeSH D061325, MONDO:0003582. Disease mechanism: loss of function.

gnomAD v4.1: 2 of 1,614,012 alleles (0.00012%); highest among the groups gnomAD compares: South Asian, 0.0022%; no homozygotes.

Submissions (3):

Labcorp Genetics (formerly Invitae), Labcorp
Classification: Benign for Hereditary breast ovarian cancer syndrome. Last evaluated: 2025-01-14. Review status: criteria provided, single submitter. Criteria: Invitae Variant Classification Sherloc (09022015). Collection method: clinical testing. Allele origin: germline.

Quest Diagnostics Nichols Institute San Juan Capistrano
Classification: Uncertain significance. Last evaluated: 2019-11-25. Review status: criteria provided, single submitter. Criteria: Quest Diagnostics criteria. Collection method: clinical testing. Allele origin: unknown.

Women's Health and Genetics/Laboratory Corporation of America, LabCorp
Classification: Uncertain significance. Last evaluated: 2016-05-16. Review status: criteria provided, single submitter. Criteria: LabCorp Variant Classification Summary - May 2015. Collection method: clinical testing. Allele origin: germline.
Comment: Variant summary: The BRCA2 c.9634G>A (p.Gly3212Arg) variant causes a missense change involving a conserved nucleotide with 3/5 in silico tools predicting a benign outcome, although these predictions have yet to be functionally assessed. The variant of interest was not found in controls (ExAC, 1000 Gs, or ESP). However, it should be noted another variant, c.9634G>C (scored NV) causing the same missense change was observed in the large, broad control population, ExAC, with an allele frequency of 62/121384, along with being reported in one database to co-occur with multiple deleterious BRCA2 variants and multiple clinical laboratories via ClinVar citing the variant as "benign/likely benign." The variant of interest, to our knowledge, has not been reported in reputable databases/clinical laboratories. Therefore, taking all available lines of evidence into consideration, the variant of interest is classified as a "VUS-possibly benign."

Literature cited by the submitters: PubMed 15983021 (cited by Quest Diagnostics Nichols Institute San Juan Capistrano and Women's Health and Genetics/Laboratory Corporation of America, LabCorp); PubMed 18284688 (cited by Quest Diagnostics Nichols Institute San Juan Capistrano and Women's Health and Genetics/Laboratory Corporation of America, LabCorp); PubMed 22034289 (cited by Quest Diagnostics Nichols Institute San Juan Capistrano and Women's Health and Genetics/Laboratory Corporation of America, LabCorp); PubMed 25556971 (cited by Quest Diagnostics Nichols Institute San Juan Capistrano and Women's Health and Genetics/Laboratory Corporation of America, LabCorp); PubMed 15342457 (cited by Women's Health and Genetics/Laboratory Corporation of America, LabCorp).